The following is an entry in ClinVar:

NM_000278.5(PAX2):c.213-2A>G

Gene: PAX2 (paired box 2; plus strand). Cytogenetic location: 10q24.31.
Variant type: single nucleotide variant.
Coding change: c.213-2A>G on transcript NM_000278.5 (MANE Select); the canonical splice acceptor site of the intron before coding-DNA position 213, A replaced by G.
Molecular consequence: splice acceptor variant.
Genome position (GRCh38, 1-based): chr10:100,750,692, A>G. VCF-style: chr10-100750692-A-G. GRCh37 (hg19) VCF-style: chr10-102510449-A-G.
Other names: c.306-2A>G (NM_001304569.2); c.213-2A>G (NM_003987.5, NM_003990.5, NM_003988.5 and 1 more transcripts).
Identifiers: ClinVar variation 3761028 (VCV003761028.2).

ClinVar aggregate classification (germline): Pathogenic (1 of 4 stars; one submission).

Conditions:
Renal coloboma syndrome (PAPRS). Also called: PAPILLORENAL SYNDROME; COLOBOMA OF OPTIC NERVE WITH RENAL DISEASE; CONGENITAL ANOMALIES OF THE KIDNEY AND URINARY TRACT WITH OR WITHOUT OCULAR ABNORMALITIES; CAKUT WITH OR WITHOUT OCULAR ABNORMALITIES; OPTIC COLOBOMA, VESICOURETERAL REFLUX, AND RENAL ANOMALIES; OPTIC NERVE COLOBOMA WITH RENAL DISEASE. Identifiers: Orphanet 1475, MedGen C1852759, MONDO:0007352, OMIM 120330.
Focal segmental glomerulosclerosis 7 (FSGS7). Identifiers: Orphanet 656, MedGen C4014925, MONDO:0014451, OMIM 616002.

Submission:

Labcorp Genetics (formerly Invitae), Labcorp
Classification: Pathogenic for Renal coloboma syndrome; Focal segmental glomerulosclerosis 7. Last evaluated: 2025-09-02. Review status: criteria provided, single submitter. Criteria: Invitae Variant Classification Sherloc (09022015). Collection method: clinical testing. Allele origin: germline.
Comment: This sequence change affects an acceptor splice site in intron 2 of the PAX2 gene. It is expected to disrupt RNA splicing. Variants that disrupt the donor or acceptor splice site typically lead to a loss of protein function (PMID: 16199547), and loss-of-function variants in PAX2 are known to be pathogenic (PMID: 11461952, 24676634, 35444690). This variant is not present in population databases (gnomAD no frequency). Disruption of this splice site has been observed in individual(s) with PAX2-related conditions (PMID: 34696790). In at least one individual the variant was observed to be de novo. ClinVar contains an entry for this variant (Variation ID: 3761028). Algorithms developed to predict the effect of sequence changes on RNA splicing suggest that this variant may disrupt the consensus splice site. For these reasons, this variant has been classified as Pathogenic.

Literature cited by the submitters: PubMed 16199547; PubMed 11461952; PubMed 24676634; PubMed 35444690; PubMed 34696790.